The following is an entry in ClinVar:

NM_000277.3(PAH):c.506G>T (p.Arg169Leu)

Gene: PAH (phenylalanine hydroxylase; minus strand). Cytogenetic location: 12q23.2.
Variant type: single nucleotide variant.
Coding change: c.506G>T on transcript NM_000277.3 (MANE Select); coding-DNA position 506, G replaced by T.
Protein change: p.Arg169Leu; replaces arginine 169 with leucine.
Molecular consequence: missense variant.
Genome position (GRCh38, 1-based): chr12:102,866,599, C>A on the plus strand (G>T on the coding strand, the complement: PAH is on the minus strand). VCF-style: chr12-102866599-C-A. GRCh37 (hg19) VCF-style: chr12-103260377-C-A.
Other names: c.506G>T, p.Arg169Leu (NM_001354304.2); short protein forms R169L.
Identifiers: ClinVar variation 2677436 (VCV002677436.6), dbSNP rs199475679, ClinGen allele CA386299454.
Genomic context (GRCh38, chr12:102,866,599, plus strand): 5'-GAAGCAGGCTAGGGGTGTGTTTTTCTCTCTTCCCCTCAACAAGCAAGGCAGACTTACTGG[C>A]GGTAGTTGTAGGCAATGTCAGCAAACTGCTTCCGTCTTGCACGGTACACAGGATCTTTAA-3'
Protein context (NP_000268.1, residues 159-179): KQFADIAYNY[Arg169Leu]HGQPIPRVEY

ClinVar aggregate classification (germline): Pathogenic. Review status: criteria provided, multiple submitters, no conflicts (2 of 4 stars). 2 submissions from 2 submitters: Pathogenic (2). Last evaluated 2026-01-24.

Conditions:
Phenylketonuria (PKU). Also called: Phenylketonurias; FOLLING DISEASE; OLIGOPHRENIA PHENYLPYRUVICA; Phenylketonuria (PKU). Identifiers: Orphanet 716, MedGen C0031485, MONDO:0009861, OMIM 261600. Disease mechanism: loss of function.

gnomAD v4.1: 4 of 1,612,420 alleles (0.00025%); highest among the groups gnomAD compares: Non-Finnish European, 0.00034%; no homozygotes.

Submissions (2):

Labcorp Genetics (formerly Invitae), Labcorp
Classification: Pathogenic for Phenylketonuria. Last evaluated: 2026-01-24. Review status: criteria provided, single submitter. Criteria: Invitae Variant Classification Sherloc (09022015). Collection method: clinical testing. Allele origin: germline.
Comment: This sequence change replaces arginine, which is basic and polar, with leucine, which is neutral and non-polar, at codon 169 of the PAH protein (p.Arg169Leu). This variant is not present in population databases (gnomAD no frequency). This missense change has been observed in individual(s) with hyperphenylalaninemia (PMID: 33677757). ClinVar contains an entry for this variant (Variation ID: 2677436). Invitae Evidence Modeling of protein sequence and biophysical properties (such as structural, functional, and spatial information, amino acid conservation, physicochemical variation, residue mobility, and thermodynamic stability) indicates that this missense variant is not expected to disrupt PAH protein function with a negative predictive value of 80%. This variant disrupts the p.Arg169 amino acid residue in PAH. Other variant(s) that disrupt this residue have been determined to be pathogenic (PMID: 10234516, 18299955, 21147011, 26666653, 28982351). This suggests that this residue is clinically significant, and that variants that disrupt this residue are likely to be disease-causing. For these reasons, this variant has been classified as Pathogenic.

Women's Health and Genetics/Laboratory Corporation of America, LabCorp
Classification: Pathogenic for Phenylketonuria. Last evaluated: 2024-04-11. Review status: criteria provided, single submitter. Criteria: LabCorp Variant Classification Summary - May 2015. Collection method: clinical testing. Allele origin: germline.
Comment: Variant summary: PAH c.506G>T (p.Arg169Leu) results in a non-conservative amino acid change located in the Aromatic amino acid hydroxylase, C-terminal (IPR019774) of the encoded protein sequence. Four of five in-silico tools predict a damaging effect of the variant on protein function. The variant was absent in 250586 control chromosomes. c.506G>T has been reported in the literature in individuals affected with Phenylalanine Hydroxylase Deficiency (Phenylketonuria) (Ngiwsara_2021). Additionally another missense (R169H) was internally classified as pathogenic. These data indicate that the variant is likely to be associated with disease. To our knowledge, no experimental evidence demonstrating an impact on protein function has been reported. The following publication have been ascertained in the context of this evaluation (PMID: 33677757). ClinVar contains an entry for this variant (Variation ID: 2677436). Based on the evidence outlined above, the variant was classified as pathogenic.

Literature cited by the submitters: PubMed 33677757 (cited by Labcorp Genetics (formerly Invitae), Labcorp and Women's Health and Genetics/Laboratory Corporation of America, LabCorp); PubMed 10234516 (cited by Labcorp Genetics (formerly Invitae), Labcorp); PubMed 18299955 (cited by Labcorp Genetics (formerly Invitae), Labcorp); PubMed 21147011 (cited by Labcorp Genetics (formerly Invitae), Labcorp); PubMed 26666653 (cited by Labcorp Genetics (formerly Invitae), Labcorp); PubMed 28982351 (cited by Labcorp Genetics (formerly Invitae), Labcorp).